The following is an entry in ClinVar:

NM_032830.3(UTP4):c.*10C>T

Gene: UTP4 (UTP4 small subunit processome component). Cytogenetic location: 16q22.1.
Variant type: single nucleotide variant.
Coding change: c.*10C>T on transcript NM_032830.3 (MANE Select); 10 bases downstream of the stop codon, C replaced by T.
Molecular consequence: 3 prime UTR variant.
Genome position (GRCh38, 1-based): chr16:69,168,947, C>T. VCF-style: chr16-69168947-C-T. GRCh37 (hg19) VCF-style: chr16-69202850-C-T.
Other names: c.*10C>T (NM_001318391.2).
Identifiers: ClinVar variation 3060069 (VCV003060069.2), dbSNP rs1212933937, ClinGen allele CA723251167.
Genomic context (GRCh38, chr16:69,168,947, plus strand): 5'-ATCATTGCTCAGCTCCCACCACCCATTAAAAAGAAGAAATTTGGAACCTAAAACAGGGCA[C>T]TGTCTGTGTCCTTCCTTGAACTGTCTACCCTGTTGCTTTTCACAAATCATGGTAATAAAA-3'

ClinVar aggregate classification (germline): Likely benign (0 of 4 stars; one submission).

Conditions:
UTP4-related disorder. Also called: UTP4-related condition.

Allele frequency attached by ClinVar (database versions not stated): gnomAD exomes below 0.00001; gnomAD 0.00001; TOPMed 0.00002.
gnomAD v4.1: 4 of 1,494,682 alleles (0.00027%); highest among the groups gnomAD compares: Non-Finnish European, 0.00037%; no homozygotes.

Submission:

PreventionGenetics, part of Exact Sciences
Classification: Likely benign for UTP4-related condition. Last evaluated: 2022-04-13. Review status: no assertion criteria provided. Collection method: clinical testing. Allele origin: germline.
Comment: This variant is classified as likely benign based on ACMG/AMP sequence variant interpretation guidelines (Richards et al. 2015 PMID: 25741868, with internal and published modifications).